The following is an entry in ClinVar:

NM_007294.4(BRCA1):c.5468-8G>T

Gene: BRCA1 (BRCA1 DNA repair associated; minus strand). Cytogenetic location: 17q21.31.
Variant type: single nucleotide variant.
Coding change: c.5468-8G>T on transcript NM_007294.4 (MANE Select); 8 bases into the intron before coding-DNA position 5468, G replaced by T.
Molecular consequence: intron variant.
Genome position (GRCh38, 1-based): chr17:43,045,810, C>A on the plus strand (G>T on the coding strand, the complement: BRCA1 is on the minus strand). VCF-style: chr17-43045810-C-A. GRCh37 (hg19) VCF-style: chr17-41197827-C-A.
Other names: c.5465-8G>T (NM_001407610.1, NM_001407621.1, NM_001407613.1 and 14 more transcripts); c.2033-8G>T (NM_001408442.1, NM_001408436.1, NM_001408435.1 and 10 more transcripts); c.2036-8G>T (NM_001408426.1, NM_001408430.1, NM_001408427.1 and 4 more transcripts); c.2156-8G>T (NM_001407982.1, NM_001407980.1, NM_001407993.1 and 10 more transcripts); c.2225-8G>T (NM_001407970.1, NM_001407971.1); c.5468-8G>T (NM_001407593.1, NM_001407603.1, NM_001407598.1 and 5 more transcripts); c.2015-8G>T (NM_001408458.1, NM_001408461.1, NM_001408464.1 and 7 more transcripts); c.4577-8G>T (NM_001407967.1); and 83 more.
Identifiers: ClinVar variation 793821 (VCV000793821.18), dbSNP rs1597797270, ClinGen allele CA915950028.

ClinVar aggregate classification (germline): Likely benign. Review status: criteria provided, multiple submitters, no conflicts (2 of 4 stars). 3 submissions from 3 submitters: Likely benign (3). Last evaluated 2025-01-03.

Conditions:
Hereditary breast ovarian cancer syndrome. Also called: BRCA1- and BRCA2-Associated Hereditary Breast and Ovarian Cancer; Hereditary breast and ovarian cancer syndrome (HBOC); Hereditary breast and ovarian cancer syndrome; Breast and ovarian cancer; Hereditary breast and ovarian cancer; Hereditary breast and/or ovarian cancer syndrome. Identifiers: Orphanet 145, MedGen C0677776, MeSH D061325, MONDO:0003582. Disease mechanism: loss of function.

Submissions (4):

Institute for Biomarker Research, Medical Diagnostic Laboratories, L.L.C.
Classification: Likely benign for Hereditary breast ovarian cancer syndrome. Last evaluated: 2025-01-03. Review status: criteria provided, single submitter. Criteria: ACMG Guidelines, 2015. Collection method: clinical testing. Allele origin: germline.
Comment: The splice region variant NM_007294.4(BRCA1):c.5468-8G>T has been reported to ClinVar as Likely benign with a status of (2 stars) criteria provided, multiple submitters, no conflicts (Variation ID 793821 as of 2024-12-05). The c.5468-8G>T variant is novel (not in any individuals) in gnomAD. The c.5468-8G>T variant is not predicted to disrupt the existing acceptor splice site 6bp upstream by any splice site algorithm. For these reasons, this variant has been classified as Likely Benign

Labcorp Genetics (formerly Invitae), Labcorp
Classification: Likely benign for Hereditary breast ovarian cancer syndrome. Last evaluated: 2023-07-03. Review status: criteria provided, single submitter. Criteria: Invitae Variant Classification Sherloc (09022015). Collection method: clinical testing. Allele origin: germline.

GeneDx
Classification: Likely benign. Last evaluated: 2019-04-18. Review status: criteria provided, single submitter. Criteria: GeneDx Variant Classification Process June 2021. Collection method: clinical testing. Allele origin: germline. Affected: yes.
Comment: This variant is associated with the following publications: (PMID: 30209399, 20104584)

Brotman Baty Institute, University of Washington
No classification provided (evidence only). Condition: Breast-ovarian cancer, familial 1. Review status: no classification provided. Collection method: in vitro. Allele origin: not applicable. Functional consequence: functionally_normal. Not counted in ClinVar's aggregate classification.
ClinVar note: "not provided" was previously submitted as the classification for the variant. However, the classification appeared to be based only on an observation of functional data so it was converted to no classification on 2025-07-30.